The following is an entry in ClinVar:

ClinVar aggregate classification (germline): Uncertain significance. Review status: criteria provided, multiple submitters, no conflicts (2 of 4 stars). 6 submissions from 6 submitters: Uncertain significance (4). 2 of the submissions do not count toward it. Last evaluated 2023-12-12.

Conditions:
Dyskeratosis congenita, autosomal recessive 5 (DKCB5). Identifiers: MedGen C3554656, MONDO:0014076, OMIM 615190.
Pulmonary fibrosis and/or bone marrow failure, Telomere-related, 3. Also called: PULMONARY FIBROSIS AND/OR BONE MARROW FAILURE SYNDROME, TELOMERE-RELATED, 3. Identifiers: Orphanet 2032, MedGen C4225346, MONDO:0014613, OMIM 616373.
Dyskeratosis congenita. Identifiers: Orphanet 1775, MedGen C0265965, MONDO:0015780.

Allele frequency attached by ClinVar (database versions not stated): TOPMed below 0.00001; gnomAD 0.00001 and 0.00002; ExAC 0.00002; gnomAD exomes 0.00002; 1000 Genomes Project 0.00040; 1000 Genomes Project 30x 0.00062.
gnomAD v4.1: 28 of 1,613,796 alleles (0.0017%); highest among the groups gnomAD compares: African/African-American, 0.0053%; no homozygotes.

Submissions (6):

Labcorp Genetics (formerly Invitae), Labcorp
Classification: Uncertain significance for Dyskeratosis congenita, autosomal recessive 5; Pulmonary fibrosis and/or bone marrow failure, Telomere-related, 3. Last evaluated: 2023-12-12. Review status: criteria provided, single submitter. Criteria: Invitae Variant Classification Sherloc (09022015). Collection method: clinical testing. Allele origin: germline.
Comment: This sequence change replaces arginine, which is basic and polar, with tryptophan, which is neutral and slightly polar, at codon 213 of the RTEL1 protein (p.Arg213Trp). This variant is present in population databases (rs560281693, gnomAD 0.01%). This missense change has been observed in individual(s) with clinical features of familial pulmonary fibrosis (PMID: 26022962, 34298581). This variant is also known as p.Arg237Trp. ClinVar contains an entry for this variant (Variation ID: 551637). An algorithm developed to predict the effect of missense changes on protein structure and function (PolyPhen-2) suggests that this variant is likely to be disruptive. In summary, the available evidence is currently insufficient to determine the role of this variant in disease. Therefore, it has been classified as a Variant of Uncertain Significance.

Women's Health and Genetics/Laboratory Corporation of America, LabCorp
Classification: Uncertain significance. Last evaluated: 2023-06-30. Review status: criteria provided, single submitter. Criteria: LabCorp Variant Classification Summary - May 2015. Collection method: clinical testing. Allele origin: germline.
Comment: Variant summary: RTEL1 c.709C>T (p.Arg237Trp, also known as c.637C>T/p.Arg213Trp in NM_001283009.2) results in a non-conservative amino acid change located in the Helicase-like, DEXD box c2 type (IPR006554) of the encoded protein sequence. Five of five in-silico tools predict a damaging effect of the variant on protein function. The variant allele was found at a frequency of 2e-05 in 251486 control chromosomes (gnomAD). The available data on variant occurrences in the general population are insufficient to allow any conclusion about variant significance. c.709C>T has been reported in the literature in heterozygous individuals affected with pulmonary fibrosis (Kannengiesser_2015, Liu_2021). These reports do not provide unequivocal conclusions about association of the variant with Dyskeratosis Congenita (Hoyeraal Hreidarsson Syndrome). To our knowledge, no experimental evidence demonstrating an impact on protein function has been reported. The following publications have been ascertained in the context of this evaluation (PMID: 26022962, 34298581). Three submitters have cited clinical-significance assessments for this variant to ClinVar after 2014. All submitters classified the variant as uncertain significance. Based on the evidence outlined above, the variant was classified as uncertain significance.

Blueprint Genetics
Classification: Uncertain significance. Last evaluated: 2023-01-05. Review status: criteria provided, single submitter. Criteria: ACMG Guidelines, 2015. Collection method: clinical testing. Allele origin: germline.

CeGaT Center for Human Genetics Tuebingen
Classification: Uncertain significance. Last evaluated: 2022-10-01. Review status: criteria provided, single submitter. Criteria: CeGaT Center For Human Genetics Tuebingen Variant Classification Criteria Version 2. Collection method: clinical testing. Allele origin: germline. Affected: yes. Observed: 1 variant allele.
Comment: RTEL1: PM1

Natera, Inc.
Classification: Uncertain significance for Dyskeratosis congenita. Last evaluated: 2021-08-27. Review status: no assertion criteria provided. Collection method: clinical testing. Allele origin: germline. Not counted in ClinVar's aggregate classification.

Counsyl
Classification: Uncertain significance for Dyskeratosis congenita, autosomal recessive 5. Last evaluated: 2017-04-27. Review status: no assertion criteria provided. Collection method: clinical testing. Allele origin: unknown. Not counted in ClinVar's aggregate classification.

Literature cited by the submitters: PubMed 26022962 (cited by 3 submitters); PubMed 34298581 (cited by Labcorp Genetics (formerly Invitae), Labcorp and Women's Health and Genetics/Laboratory Corporation of America, LabCorp).

NM_001283009.2(RTEL1):c.637C>T (p.Arg213Trp)

Genes: RTEL1-TNFRSF6B (RTEL1-TNFRSF6B readthrough (NMD candidate); plus strand), RTEL1 (regulator of telomere elongation helicase 1; plus strand). Cytogenetic location: 20q13.33.
Variant type: single nucleotide variant.
Coding change: c.637C>T on transcript NM_001283009.2 (MANE Select); coding-DNA position 637, C replaced by T.
Protein change: p.Arg213Trp; replaces arginine 213 with tryptophan.
Molecular consequence: missense variant. On other transcripts: non-coding transcript variant (1), 5 prime UTR variant (1).
Genome position (GRCh38, 1-based): chr20:63,667,491, C>T. VCF-style: chr20-63667491-C-T. GRCh37 (hg19) VCF-style: chr20-62298844-C-T.
Other names: c.-33C>T (NM_001283010.1); c.637C>T, p.Arg213Trp (NM_016434.4); c.709C>T, p.Arg237Trp (NM_032957.5); short protein forms R213W, R237W.
Identifiers: ClinVar variation 551637 (VCV000551637.38), dbSNP rs560281693, ClinGen allele CA9964381.